The following is an entry in ClinVar:

NM_000222.3(KIT):c.2749T>A (p.Phe917Ile)

Gene: KIT (KIT proto-oncogene, receptor tyrosine kinase; plus strand). Cytogenetic location: 4q12.
Variant type: single nucleotide variant.
Coding change: c.2749T>A on transcript NM_000222.3 (MANE Select); coding-DNA position 2749, T replaced by A.
Protein change: p.Phe917Ile; replaces phenylalanine 917 with isoleucine.
Molecular consequence: missense variant.
Genome position (GRCh38, 1-based): chr4:54,737,227, T>A. VCF-style: chr4-54737227-T-A. GRCh37 (hg19) VCF-style: chr4-55603393-T-A.
Other names: c.2737T>A, p.Phe913Ile (NM_001093772.2, NM_001385292.1); c.2752T>A, p.Phe918Ile (NM_001385284.1); c.2746T>A, p.Phe916Ile (NM_001385285.1); c.2734T>A, p.Phe912Ile (NM_001385286.1); c.2740T>A, p.Phe914Ile (NM_001385288.1); c.2749T>A, p.Phe917Ile (NM_001385290.1); short protein forms F912I, F913I, F914I, F916I, F917I, F918I.
Identifiers: ClinVar variation 3534738 (VCV003534738.1).
Genomic context (GRCh38, chr4:54,737,227, plus strand): 5'-TCTTGCAGGTATGACATAATGAAGACTTGCTGGGATGCAGATCCCCTAAAAAGACCAACA[T>A]TCAAGCAAATTGTTCAGCTAATTGAGAAGCAGATTTCAGAGAGCACCAATCATGTGAGTA-3'
Protein context (NP_000213.1, residues 907-927): WDADPLKRPT[Phe917Ile]KQIVQLIEKQ

ClinVar aggregate classification (germline): Uncertain significance (1 of 4 stars; one submission).

Conditions:
Hereditary cancer-predisposing syndrome. Also called: Hereditary Cancer Syndrome; Hereditary neoplastic syndrome; Tumor predisposition; Neoplastic Syndromes, Hereditary. Identifiers: Orphanet 140162, MedGen C0027672, MeSH D009386, MONDO:0015356.

Submission:

Ambry Genetics
Classification: Uncertain significance for Hereditary cancer-predisposing syndrome. Last evaluated: 2024-12-06. Review status: criteria provided, single submitter. Criteria: Ambry Variant Classification Scheme 2023. Collection method: clinical testing. Allele origin: germline.
Comment: The p.F917I variant (also known as c.2749T>A), located in coding exon 20 of the KIT gene, results from a T to A substitution at nucleotide position 2749. The phenylalanine at codon 917 is replaced by isoleucine, an amino acid with highly similar properties. This amino acid position is conserved. In addition, this alteration is predicted to be deleterious by in silico analysis. Based on the available evidence, the clinical significance of this variant remains unclear.